The following is an entry in ClinVar:

ClinVar aggregate classification (germline): Uncertain significance (1 of 4 stars; one submission).

Conditions:
Inborn genetic diseases. Identifiers: MedGen C0950123, MeSH D030342.

Submission:

Ambry Genetics
Classification: Uncertain significance for Inborn genetic diseases. Last evaluated: 2024-11-26. Review status: criteria provided, single submitter. Criteria: Ambry Variant Classification Scheme 2023. Collection method: clinical testing. Allele origin: germline.
Comment: The p.H149L variant (also known as c.446A>T), located in coding exon 4 of the ETV6 gene, results from an A to T substitution at nucleotide position 446. The histidine at codon 149 is replaced by leucine, an amino acid with similar properties. This amino acid position is conserved. In addition, this alteration is predicted to be tolerated by in silico analysis. Based on the available evidence, the clinical significance of this variant remains unclear.

NM_001987.5(ETV6):c.446A>T (p.His149Leu)

Gene: ETV6 (ETS variant transcription factor 6; plus strand). Cytogenetic location: 12p13.2.
Variant type: single nucleotide variant.
Coding change: c.446A>T on transcript NM_001987.5 (MANE Select); coding-DNA position 446, A replaced by T.
Protein change: p.His149Leu; replaces histidine 149 with leucine.
Molecular consequence: missense variant.
Genome position (GRCh38, 1-based): chr12:11,853,544, A>T. VCF-style: chr12-11853544-A-T. GRCh37 (hg19) VCF-style: chr12-12006478-A-T.
Other names: c.443A>T, p.His148Leu (NM_001413913.1); c.419A>T, p.His140Leu (NM_001413914.1); c.182A>T, p.His61Leu (NM_001413915.1); c.446A>T, p.His149Leu (NM_001413916.1, NM_001413917.1); short protein forms H140L, H149L, H148L, H61L.
Identifiers: ClinVar variation 3510625 (VCV003510625.1).